The following is an entry in ClinVar:

ClinVar aggregate classification (germline): Uncertain significance. Review status: criteria provided, multiple submitters, no conflicts (2 of 4 stars). 2 submissions from 2 submitters: Uncertain significance (2). Last evaluated 2024-04-17.

Conditions:
Retinitis pigmentosa 51 (RP51). Identifiers: Orphanet 791, MedGen C3150715, MONDO:0013274, OMIM 613464.
Bardet-Biedl syndrome 8 (BBS8). Identifiers: Orphanet 110, MedGen C1859566, MONDO:0014436, OMIM 615985.
Bardet-Biedl syndrome (BBS). Identifiers: Orphanet 110, MedGen C0752166, MONDO:0015229.

gnomAD v4.1: 2 of 1,613,662 alleles (0.00012%); highest among the groups gnomAD compares: Non-Finnish European, 0.00017%; no homozygotes.

Submissions (2):

Fulgent Genetics
Classification: Uncertain significance for Retinitis pigmentosa 51; Bardet-Biedl syndrome 8. Last evaluated: 2024-04-17. Review status: criteria provided, single submitter. Criteria: ACMG Guidelines, 2015. Collection method: clinical testing. Allele origin: germline.

Labcorp Genetics (formerly Invitae), Labcorp
Classification: Uncertain significance for Bardet-Biedl syndrome. Last evaluated: 2022-03-02. Review status: criteria provided, single submitter. Criteria: Invitae Variant Classification Sherloc (09022015). Collection method: clinical testing. Allele origin: germline.
Comment: This sequence change replaces leucine, which is neutral and non-polar, with proline, which is neutral and non-polar, at codon 252 of the TTC8 protein (p.Leu252Pro). This variant is present in population databases (no rsID available, gnomAD 0.002%). This variant has not been reported in the literature in individuals affected with TTC8-related conditions. ClinVar contains an entry for this variant (Variation ID: 1003323). Algorithms developed to predict the effect of missense changes on protein structure and function are either unavailable or do not agree on the potential impact of this missense change (SIFT: "Deleterious"; PolyPhen-2: "Probably Damaging"; Align-GVGD: "Class C0"). In summary, the available evidence is currently insufficient to determine the role of this variant in disease. Therefore, it has been classified as a Variant of Uncertain Significance.

NM_144596.4(TTC8):c.785T>C (p.Leu262Pro)

Gene: TTC8 (tetratricopeptide repeat domain 8; plus strand). Cytogenetic location: 14q31.3.
Variant type: single nucleotide variant.
Coding change: c.785T>C on transcript NM_144596.4 (MANE Select); coding-DNA position 785, T replaced by C.
Protein change: p.Leu262Pro; replaces leucine 262 with proline.
Molecular consequence: missense variant. On other transcripts: non-coding transcript variant (1).
Genome position (GRCh38, 1-based): chr14:88,857,264, T>C. VCF-style: chr14-88857264-T-C. GRCh37 (hg19) VCF-style: chr14-89323608-T-C.
Other names: c.833T>C, p.Leu278Pro (NM_001288781.1); c.191T>C, p.Leu64Pro (NM_001288782.1); c.68T>C, p.Leu23Pro (NM_001288783.1); c.755T>C, p.Leu252Pro (NM_001366535.2, NM_198309.3); c.665T>C, p.Leu222Pro (NM_001366536.2, NM_198310.3); short protein forms L222P, L23P, L252P, L262P, L278P, L64P.
Identifiers: ClinVar variation 1003323 (VCV001003323.5), dbSNP rs1459496188, ClinGen allele CA390546279.